The following is an entry in ClinVar:

ClinVar aggregate classification (germline): Pathogenic. Review status: criteria provided, single submitter (1 of 4 stars). 2 submissions from 2 submitters: Pathogenic (1). 1 of the submissions does not count toward it. Last evaluated 2024-07-14.

Conditions:
Autosomal recessive limb-girdle muscular dystrophy type 2A (LGMDR1). Also called: LEYDEN-MOEBIUS MUSCULAR DYSTROPHY; Limb-girdle muscular dystrophy, type 2A; Calpainopathy; MUSCULAR DYSTROPHY, PELVOFEMORAL; Muscular dystrophy, limb-girdle, type 2A, Amish. Identifiers: Orphanet 267, MedGen C1869123, MONDO:0009675, OMIM 253600. Disease mechanism: loss of function.

Submissions (2):

Labcorp Genetics (formerly Invitae), Labcorp
Classification: Pathogenic for Autosomal recessive limb-girdle muscular dystrophy type 2A. Last evaluated: 2024-07-14. Review status: criteria provided, single submitter. Criteria: Invitae Variant Classification Sherloc (09022015). Collection method: clinical testing. Allele origin: germline.
Comment: This sequence change replaces alanine, which is neutral and non-polar, with aspartic acid, which is acidic and polar, at codon 116 of the CAPN3 protein (p.Ala116Asp). This variant is not present in population databases (gnomAD no frequency). This missense change has been observed in individuals with autosomal recessive limb-girdle muscular dystrophy (PMID: 28103310). ClinVar contains an entry for this variant (Variation ID: 1321461). Advanced modeling of protein sequence and biophysical properties (such as structural, functional, and spatial information, amino acid conservation, physicochemical variation, residue mobility, and thermodynamic stability) performed at Invitae indicates that this missense variant is expected to disrupt CAPN3 protein function with a positive predictive value of 80%. For these reasons, this variant has been classified as Pathogenic.

GeneReviews
No classification provided. Condition: Autosomal recessive limb-girdle muscular dystrophy type 2A. Review status: no classification provided. Collection method: literature only. Allele origin: germline. Not counted in ClinVar's aggregate classification.
Comment: This variant was reported as c.348C>A; however, based on the sequencing trace in Pantoja-Melendez et al 2017 the correct naming of this variant is c.347C>A. Pathogenic variant most likely the result of a founder effect followed by genetic isolation in a population in Tlaxcala village in central Mexico [Pantoja-Melendez et al 2017].

Literature cited by the submitters: PubMed 28103310 (cited by Labcorp Genetics (formerly Invitae), Labcorp and GeneReviews).

NM_000070.3(CAPN3):c.347C>A (p.Ala116Asp)

Gene: CAPN3 (calpain 3; plus strand). Cytogenetic location: 15q15.1.
Variant type: single nucleotide variant.
Coding change: c.347C>A on transcript NM_000070.3 (MANE Select); coding-DNA position 347, C replaced by A.
Protein change: p.Ala116Asp; replaces alanine 116 with aspartic acid.
Molecular consequence: missense variant.
Genome position (GRCh38, 1-based): chr15:42,384,520, C>A. VCF-style: chr15-42384520-C-A. GRCh37 (hg19) VCF-style: chr15-42676718-C-A.
Other names: c.348C>A; c.347C>A, p.Ala116Asp (NM_024344.2, NM_173087.2); short protein forms A116D.
Identifiers: ClinVar variation 1321461 (VCV001321461.10), dbSNP rs2053335268, ClinGen allele CA391997384.